The following is an entry in ClinVar:

NM_198834.3(ACACA):c.3617G>A (p.Arg1206His)

Gene: ACACA (acetyl-CoA carboxylase alpha; minus strand). Cytogenetic location: 17q12.
Variant type: single nucleotide variant.
Coding change: c.3617G>A on transcript NM_198834.3 (MANE Select); coding-DNA position 3617, G replaced by A.
Protein change: p.Arg1206His; replaces arginine 1206 with histidine.
Molecular consequence: missense variant.
Genome position (GRCh38, 1-based): chr17:37,221,790, C>T on the plus strand (G>A on the coding strand, the complement: ACACA is on the minus strand). VCF-style: chr17-37221790-C-T. GRCh37 (hg19) VCF-style: chr17-35578711-C-T.
Other names: p.Arg1169His; c.3506G>A (NM_198839.2, NM_198839.1); c.3506G>A, p.Arg1169His (NM_198836.3, NM_198839.3); c.3332G>A, p.Arg1111His (NM_198837.2); c.3272G>A, p.Arg1091His (NM_198838.2); short protein forms R1206H, R1169H, R1091H, R1111H.
Identifiers: ClinVar variation 3022505 (VCV003022505.5), dbSNP rs763968366, ClinGen allele CA8515284.
Genomic context (GRCh38, chr17:37,221,790, plus strand): 5'-GGATGAGATGTGGGCAGCATGAACTGGAATTCCACCACACAGGTGTTGTCCTTAAGCTGG[C>T]GGTGTTGTACGCTGTTAAGTTCATAGGCAATATAAGCCCTTCGAACATACACCTGGTTCA-3'
Protein context (NP_942131.1, residues 1196-1216): IAYELNSVQH[Arg1206His]QLKDNTCVVE

ClinVar aggregate classification (germline): Uncertain significance. Review status: criteria provided, multiple submitters, no conflicts (2 of 4 stars). 3 submissions from 3 submitters: Uncertain significance (3). Last evaluated 2025-12-24.

Allele frequency attached by ClinVar (database versions not stated): TOPMed 0.00009; gnomAD 0.00007; ExAC 0.00009.
gnomAD v4.1: 79 of 1,614,018 alleles (0.0049%); highest among the groups gnomAD compares: Admixed American, 0.073%; no homozygotes.

Submissions (3):

Labcorp Genetics (formerly Invitae), Labcorp
Classification: Uncertain significance. Last evaluated: 2025-12-24. Review status: criteria provided, single submitter. Criteria: Invitae Variant Classification Sherloc (09022015). Collection method: clinical testing. Allele origin: germline.
Comment: This sequence change replaces arginine, which is basic and polar, with histidine, which is basic and polar, at codon 1169 of the ACACA protein (p.Arg1169His). This variant is present in population databases (rs763968366, gnomAD 0.07%), and has an allele count higher than expected for a pathogenic variant. This variant has not been reported in the literature in individuals affected with ACACA-related conditions. ClinVar contains an entry for this variant (Variation ID: 3022505). An algorithm developed to predict the effect of missense changes on protein structure and function (PolyPhen-2) suggests that this variant is likely to be tolerated. In summary, the available evidence is currently insufficient to determine the role of this variant in disease. Therefore, it has been classified as a Variant of Uncertain Significance.

Ambry Genetics
Classification: Uncertain significance. Last evaluated: 2024-09-11. Review status: criteria provided, single submitter. Criteria: Ambry Variant Classification Scheme 2023. Collection method: clinical testing. Allele origin: germline.

Mayo Clinic Laboratories, Mayo Clinic
Classification: Uncertain significance. Last evaluated: 2023-11-28. Review status: criteria provided, single submitter. Criteria: ACMG Guidelines, 2015. Collection method: clinical testing. Allele origin: germline. Observed: 1 variant allele.
Comment: BP4